The following is an entry in ClinVar:

NM_000444.6(PHEX):c.947G>T (p.Gly316Val)

Gene: PHEX (phosphate regulating endopeptidase X-linked; plus strand). Cytogenetic location: Xp22.11.
Variant type: single nucleotide variant.
Coding change: c.947G>T on transcript NM_000444.6 (MANE Select); coding-DNA position 947, G replaced by T.
Protein change: p.Gly316Val; replaces glycine 316 with valine.
Molecular consequence: missense variant.
Genome position (GRCh38, 1-based): chrX:22,099,019, G>T. VCF-style: chrX-22099019-G-T. GRCh37 (hg19) VCF-style: chrX-22117137-G-T.
Other names: c.947G>T (NM_000444.4); c.947G>T, p.Gly316Val (NM_001282754.2); short protein forms G316V.
Identifiers: ClinVar variation 2737112 (VCV002737112.4), dbSNP rs763042990, ClinGen allele CA10368162.

ClinVar aggregate classification (germline): Uncertain significance. Review status: criteria provided, multiple submitters, no conflicts (2 of 4 stars). 2 submissions from 2 submitters: Uncertain significance (2). Last evaluated 2025-06-23.

Allele frequency attached by ClinVar (database versions not stated): gnomAD 0.00003; gnomAD exomes 0.00004; ExAC 0.00005; 1000 Genomes Project 30x 0.00021.
gnomAD v4.1: 42 of 1,206,755 alleles (0.0035%); highest among the groups gnomAD compares: East Asian, 0.12%; no homozygotes.

Submissions (2):

Labcorp Genetics (formerly Invitae), Labcorp
Classification: Uncertain significance. Last evaluated: 2025-06-23. Review status: criteria provided, single submitter. Criteria: Invitae Variant Classification Sherloc (09022015). Collection method: clinical testing. Allele origin: germline.
Comment: This sequence change replaces glycine, which is neutral and non-polar, with valine, which is neutral and non-polar, at codon 316 of the PHEX protein (p.Gly316Val). This variant is present in population databases (rs763042990, gnomAD 0.03%). This missense change has been observed in individual(s) with hypophosphatemic rickets (PMID: 25861491). ClinVar contains an entry for this variant (Variation ID: 2737112). Invitae Evidence Modeling of protein sequence and biophysical properties (such as structural, functional, and spatial information, amino acid conservation, physicochemical variation, residue mobility, and thermodynamic stability) indicates that this missense variant is expected to disrupt PHEX protein function with a positive predictive value of 80%. In summary, the available evidence is currently insufficient to determine the role of this variant in disease. Therefore, it has been classified as a Variant of Uncertain Significance.

GeneDx
Classification: Uncertain significance. Last evaluated: 2024-03-12. Review status: criteria provided, single submitter. Criteria: GeneDx Variant Classification Process June 2021. Collection method: clinical testing. Allele origin: germline. Affected: yes.
Comment: In silico analysis supports that this missense variant does not alter protein structure/function; This variant is associated with the following publications: (PMID: 29858904, 25861491)

Literature cited by the submitters: PubMed 25861491 (cited by Labcorp Genetics (formerly Invitae), Labcorp).